The following is an entry in ClinVar:

NM_001322934.2(NFKB2):c.1219A>G (p.Met407Val)

Genes: NFKB2 (nuclear factor kappa B subunit 2; plus strand), LOC130004599 (ATAC-STARR-seq lymphoblastoid silent region 2756; plus strand). Cytogenetic location: 10q24.32.
Variant type: single nucleotide variant.
Coding change: c.1219A>G on transcript NM_001322934.2 (MANE Select); coding-DNA position 1219, A replaced by G.
Protein change: p.Met407Val; replaces methionine 407 with valine.
Molecular consequence: missense variant.
Genome position (GRCh38, 1-based): chr10:102,399,389, A>G. VCF-style: chr10-102399389-A-G. GRCh37 (hg19) VCF-style: chr10-104159146-A-G.
Other names: c.1093A>G, p.Met365Val (NM_001322935.1); c.1219A>G, p.Met407Val (NM_002502.6, NM_001077493.1, NM_001077494.3 and 2 more transcripts); short protein forms M407V, M365V.
Identifiers: ClinVar variation 2829273 (VCV002829273.3), dbSNP rs2061179254, ClinGen allele CA377898980.

ClinVar aggregate classification (germline): Uncertain significance (1 of 4 stars; one submission).

Conditions:
Immunodeficiency, common variable, 10. Also called: IMMUNODEFICIENCY, COMMON VARIABLE, WITH CENTRAL ADRENAL INSUFFICIENCY; DEFICIT IN ANTERIOR PITUITARY FUNCTION AND VARIABLE IMMUNODEFICIENCY. Identifiers: MedGen C3809991, MONDO:0014260, OMIM 615577.

Submission:

Labcorp Genetics (formerly Invitae), Labcorp
Classification: Uncertain significance for Immunodeficiency, common variable, 10. Last evaluated: 2023-02-22. Review status: criteria provided, single submitter. Criteria: Invitae Variant Classification Sherloc (09022015). Collection method: clinical testing. Allele origin: germline.
Comment: In summary, the available evidence is currently insufficient to determine the role of this variant in disease. Therefore, it has been classified as a Variant of Uncertain Significance. An algorithm developed to predict the effect of missense changes on protein structure and function (PolyPhen-2) suggests that this variant is likely to be tolerated. This variant has not been reported in the literature in individuals affected with NFKB2-related conditions. This variant is not present in population databases (gnomAD no frequency). This sequence change replaces methionine, which is neutral and non-polar, with valine, which is neutral and non-polar, at codon 407 of the NFKB2 protein (p.Met407Val).